The following is an entry in ClinVar:

NM_000637.5(GSR):c.1294A>G (p.Ile432Val)

Gene: GSR (glutathione-disulfide reductase; minus strand). Cytogenetic location: 8p12.
Variant type: single nucleotide variant.
Coding change: c.1294A>G on transcript NM_000637.5 (MANE Select); coding-DNA position 1294, A replaced by G.
Protein change: p.Ile432Val; replaces isoleucine 432 with valine.
Molecular consequence: missense variant.
Genome position (GRCh38, 1-based): chr8:30,681,029, T>C on the plus strand (A>G on the coding strand, the complement: GSR is on the minus strand). VCF-style: chr8-30681029-T-C. GRCh37 (hg19) VCF-style: chr8-30538546-T-C.
Other names: c.1207A>G, p.Ile403Val (NM_001195102.3); c.1135A>G, p.Ile379Val (NM_001195103.3); c.1048A>G, p.Ile350Val (NM_001195104.3); short protein forms I403V, I432V, I350V, I379V.
Identifiers: ClinVar variation 2176375 (VCV002176375.4), dbSNP rs997639210, ClinGen allele CA174449952.

ClinVar aggregate classification (germline): Uncertain significance (1 of 4 stars; one submission).

Allele frequency attached by ClinVar (database versions not stated): gnomAD exomes below 0.00001; TOPMed 0.00001.

Submission:

Labcorp Genetics (formerly Invitae), Labcorp
Classification: Uncertain significance. Last evaluated: 2022-07-07. Review status: criteria provided, single submitter. Criteria: Invitae Variant Classification Sherloc (09022015). Collection method: clinical testing. Allele origin: germline.
Comment: In summary, the available evidence is currently insufficient to determine the role of this variant in disease. Therefore, it has been classified as a Variant of Uncertain Significance. This sequence change replaces isoleucine, which is neutral and non-polar, with valine, which is neutral and non-polar, at codon 432 of the GSR protein (p.Ile432Val). This variant is not present in population databases (gnomAD no frequency). This variant has not been reported in the literature in individuals affected with GSR-related conditions. Algorithms developed to predict the effect of missense changes on protein structure and function output the following: SIFT: "Tolerated"; PolyPhen-2: "Benign"; Align-GVGD: "Class C0". The valine amino acid residue is found in multiple mammalian species, which suggests that this missense change does not adversely affect protein function.